The following is an entry in ClinVar:

ClinVar aggregate classification (germline): Conflicting classifications of pathogenicity. Review status: criteria provided, conflicting classifications (1 of 4 stars). 2 submissions from 2 submitters: Uncertain significance (1); Likely benign (1). Last evaluated 2023-12-11.

Allele frequency attached by ClinVar (database versions not stated): gnomAD 0.00007 and 0.00008; gnomAD exomes 0.00014 and 0.00029; TOPMed 0.00021; ExAC 0.00028.
gnomAD v4.1: 94 of 1,614,014 alleles (0.0058%); highest among the groups gnomAD compares: Admixed American, 0.15%; no homozygotes.

Submissions (2):

Labcorp Genetics (formerly Invitae), Labcorp
Classification: Likely benign. Last evaluated: 2023-12-11. Review status: criteria provided, single submitter. Criteria: Invitae Variant Classification Sherloc (09022015). Collection method: clinical testing. Allele origin: germline.

GeneDx
Classification: Uncertain significance. Last evaluated: 2021-04-19. Review status: criteria provided, single submitter. Criteria: GeneDx Variant Classification Process June 2021. Collection method: clinical testing. Allele origin: germline. Affected: yes.
Comment: In silico analysis supports that this missense variant has a deleterious effect on protein structure/function; Has not been previously published as pathogenic or benign to our knowledge

NM_000233.4(LHCGR):c.1169A>G (p.Lys390Arg)

Genes: LHCGR (luteinizing hormone/choriogonadotropin receptor; minus strand), STON1-GTF2A1L (STON1-GTF2A1L readthrough; plus strand). Cytogenetic location: 2p16.3.
Variant type: single nucleotide variant.
Coding change: c.1169A>G on transcript NM_000233.4 (MANE Select); coding-DNA position 1169, A replaced by G.
Protein change: p.Lys390Arg; replaces lysine 390 with arginine.
Molecular consequence: missense variant. On other transcripts: intron variant (1).
Genome position (GRCh38, 1-based): chr2:48,688,628, T>C on the plus strand (A>G on the coding strand, the complement: LHCGR is on the minus strand). VCF-style: chr2-48688628-T-C. GRCh37 (hg19) VCF-style: chr2-48915767-T-C.
Other names: c.3441+16948T>C (NM_001198593.2); short protein forms K390R.
Identifiers: ClinVar variation 711114 (VCV000711114.12), dbSNP rs549696399, ClinGen allele CA1653070.
Genomic context (GRCh38, chr2:48,688,628, plus strand): 5'-AGCCCCATGCAAAAGTCTGCAAAGGAGAGATTGCACATGAGAAAACGAGGCACTGTAAGT[T>C]TGTAACGACTTGTCAGGAGAACAAAAAGAACAGTCATGTTTCCCATGATGGCTAGAATAT-3'
Protein context (NP_000224.2, residues 380-400): VLFVLLTSRY[Lys390Arg]LTVPRFLMCN